The following is an entry in ClinVar:

ClinVar aggregate classification (germline): Uncertain significance (1 of 4 stars; one submission).

Conditions:
Dyskeratosis congenita, autosomal recessive 5 (DKCB5). Identifiers: MedGen C3554656, MONDO:0014076, OMIM 615190.
Pulmonary fibrosis and/or bone marrow failure, Telomere-related, 3. Also called: PULMONARY FIBROSIS AND/OR BONE MARROW FAILURE SYNDROME, TELOMERE-RELATED, 3. Identifiers: Orphanet 2032, MedGen C4225346, MONDO:0014613, OMIM 616373.

gnomAD v4.1: 3 of 1,612,654 alleles (0.00019%); highest among the groups gnomAD compares: East Asian, 0.0022%; no homozygotes.

Submission:

Labcorp Genetics (formerly Invitae), Labcorp
Classification: Uncertain significance for Dyskeratosis congenita, autosomal recessive 5; Pulmonary fibrosis and/or bone marrow failure, Telomere-related, 3. Last evaluated: 2025-10-11. Review status: criteria provided, single submitter. Criteria: Invitae Variant Classification Sherloc (09022015). Collection method: clinical testing. Allele origin: germline.
Comment: This sequence change replaces threonine, which is neutral and polar, with isoleucine, which is neutral and non-polar, at codon 914 of the RTEL1 protein (p.Thr914Ile). This variant is not present in population databases (gnomAD no frequency). This variant has not been reported in the literature in individuals affected with RTEL1-related conditions. An algorithm developed to predict the effect of missense changes on protein structure and function (PolyPhen-2) suggests that this variant is likely to be tolerated. In summary, the available evidence is currently insufficient to determine the role of this variant in disease. Therefore, it has been classified as a Variant of Uncertain Significance.

NM_001283009.2(RTEL1):c.2741C>T (p.Thr914Ile)

Genes: RTEL1 (regulator of telomere elongation helicase 1; plus strand), RTEL1-TNFRSF6B (RTEL1-TNFRSF6B readthrough (NMD candidate); plus strand). Cytogenetic location: 20q13.33.
Variant type: single nucleotide variant.
Coding change: c.2741C>T on transcript NM_001283009.2 (MANE Select); coding-DNA position 2741, C replaced by T.
Protein change: p.Thr914Ile; replaces threonine 914 with isoleucine.
Molecular consequence: missense variant. On other transcripts: non-coding transcript variant (1).
Genome position (GRCh38, 1-based): chr20:63,692,893, C>T. VCF-style: chr20-63692893-C-T. GRCh37 (hg19) VCF-style: chr20-62324246-C-T.
Other names: c.2072C>T, p.Thr691Ile (NM_001283010.1); c.2741C>T, p.Thr914Ile (NM_016434.4); c.2813C>T, p.Thr938Ile (NM_032957.5); short protein forms T938I, T691I, T914I.
Identifiers: ClinVar variation 4791844 (VCV004791844.1).